The following is an entry in ClinVar:

ClinVar aggregate classification (germline): Uncertain significance (1 of 4 stars; one submission).

Submission:

Labcorp Genetics (formerly Invitae), Labcorp
Classification: Uncertain significance. Last evaluated: 2022-09-07. Review status: criteria provided, single submitter. Criteria: Invitae Variant Classification Sherloc (09022015). Collection method: clinical testing. Allele origin: germline.
Comment: This sequence change replaces tyrosine, which is neutral and polar, with histidine, which is basic and polar, at codon 2015 of the PCLO protein (p.Tyr2015His). This variant is not present in population databases (gnomAD no frequency). This variant has not been reported in the literature in individuals affected with PCLO-related conditions. Algorithms developed to predict the effect of missense changes on protein structure and function are either unavailable or do not agree on the potential impact of this missense change (SIFT: "Tolerated"; PolyPhen-2: "Not Available"; Align-GVGD: "Class C0"). In summary, the available evidence is currently insufficient to determine the role of this variant in disease. Therefore, it has been classified as a Variant of Uncertain Significance.

NM_033026.6(PCLO):c.6043T>C (p.Tyr2015His)

Gene: PCLO (piccolo presynaptic cytomatrix protein; minus strand). Cytogenetic location: 7q21.11.
Variant type: single nucleotide variant.
Coding change: c.6043T>C on transcript NM_033026.6 (MANE Select); coding-DNA position 6043, T replaced by C.
Protein change: p.Tyr2015His; replaces tyrosine 2015 with histidine.
Molecular consequence: missense variant.
Genome position (GRCh38, 1-based): chr7:82,954,910, A>G on the plus strand (T>C on the coding strand, the complement: PCLO is on the minus strand). VCF-style: chr7-82954910-A-G. GRCh37 (hg19) VCF-style: chr7-82584226-A-G.
Other names: c.6043T>C, p.Tyr2015His (NM_014510.3); short protein forms Y2015H.
Identifiers: ClinVar variation 1944046 (VCV001944046.5), dbSNP rs2535704418, ClinGen allele CA367920891.